The following is an entry in ClinVar:

ClinVar aggregate classification (germline): Uncertain significance. Review status: criteria provided, multiple submitters, no conflicts (2 of 4 stars). 2 submissions from 2 submitters: Uncertain significance (2). Last evaluated 2025-02-28.

Conditions:
Inborn genetic diseases. Identifiers: MedGen C0950123, MeSH D030342.
Autosomal dominant polycystic kidney disease. Identifiers: Orphanet 730, MedGen C0085413, MONDO:0004691.

Allele frequency attached by ClinVar (database versions not stated): gnomAD 0.00001; gnomAD exomes 0.00001; TOPMed 0.00001; ExAC 0.00002.
gnomAD v4.1: 21 of 1,614,082 alleles (0.0013%); highest among the groups gnomAD compares: East Asian, 0.0089%; no homozygotes.

Submissions (2):

Ambry Genetics
Classification: Uncertain significance for Inborn genetic diseases. Last evaluated: 2025-02-28. Review status: criteria provided, single submitter. Criteria: Ambry Variant Classification Scheme 2023. Collection method: clinical testing. Allele origin: germline.

Labcorp Genetics (formerly Invitae), Labcorp
Classification: Uncertain significance for Autosomal dominant polycystic kidney disease. Last evaluated: 2024-07-19. Review status: criteria provided, single submitter. Criteria: Invitae Variant Classification Sherloc (09022015). Collection method: clinical testing. Allele origin: germline.
Comment: This sequence change replaces arginine, which is basic and polar, with glutamine, which is neutral and polar, at codon 872 of the PKD2 protein (p.Arg872Gln). This variant is present in population databases (rs748241808, gnomAD 0.006%). This variant has not been reported in the literature in individuals affected with PKD2-related conditions. Advanced modeling of protein sequence and biophysical properties (such as structural, functional, and spatial information, amino acid conservation, physicochemical variation, residue mobility, and thermodynamic stability) performed at Invitae indicates that this missense variant is not expected to disrupt PKD2 protein function with a negative predictive value of 80%. In summary, the available evidence is currently insufficient to determine the role of this variant in disease. Therefore, it has been classified as a Variant of Uncertain Significance.

NM_000297.4(PKD2):c.2615G>A (p.Arg872Gln)

Gene: PKD2 (polycystin 2, transient receptor potential cation channel; plus strand). Cytogenetic location: 4q22.1.
Variant type: single nucleotide variant.
Coding change: c.2615G>A on transcript NM_000297.4 (MANE Select); coding-DNA position 2615, G replaced by A.
Protein change: p.Arg872Gln; replaces arginine 872 with glutamine.
Molecular consequence: missense variant. On other transcripts: non-coding transcript variant (1).
Genome position (GRCh38, 1-based): chr4:88,074,904, G>A. VCF-style: chr4-88074904-G-A. GRCh37 (hg19) VCF-style: chr4-88996056-G-A.
Other names: c.2615G>A (NM_000297.3); short protein forms R872Q.
Identifiers: ClinVar variation 2715711 (VCV002715711.4), dbSNP rs748241808, ClinGen allele CA3004305.
Genomic context (GRCh38, chr4:88,074,904, plus strand): 5'-CCATCGGCAGCATAGTGTCCAAGATTGACGCCGTGATCGTGAAGCTAGAGATTATGGAGC[G>A]AGCCAAACTGAAGAGGAGGGAGGTGCTGGGAAGGCTGTTGGATGGGGTGGCCGAGGTCAG-3'
Protein context (NP_000288.1, residues 862-882): AVIVKLEIME[Arg872Gln]AKLKRREVLG